The following is an entry in ClinVar:

NM_001134363.3(RBM20):c.2655+2T>C

Gene: RBM20 (RNA binding motif protein 20; plus strand). Cytogenetic location: 10q25.2.
Variant type: single nucleotide variant.
Coding change: c.2655+2T>C on transcript NM_001134363.3 (MANE Select); the canonical splice donor site of the intron after coding-DNA position 2655, T replaced by C.
Molecular consequence: splice donor variant.
Genome position (GRCh38, 1-based): chr10:110,820,178, T>C. VCF-style: chr10-110820178-T-C. GRCh37 (hg19) VCF-style: chr10-112579936-T-C.
Identifiers: ClinVar variation 4773469 (VCV004773469.1).

ClinVar aggregate classification (germline): Likely pathogenic (1 of 4 stars; one submission).

Conditions:
Dilated cardiomyopathy 1DD (CMD1DD). Identifiers: Orphanet 154, MedGen C2750995, MONDO:0013168, OMIM 613172.

Submission:

Labcorp Genetics (formerly Invitae), Labcorp
Classification: Likely pathogenic for Dilated cardiomyopathy 1DD. Last evaluated: 2025-11-21. Review status: criteria provided, single submitter. Criteria: Invitae Variant Classification Sherloc (09022015). Collection method: clinical testing. Allele origin: germline.
Comment: This sequence change affects a donor splice site in intron 10 of the RBM20 gene. It is expected to disrupt RNA splicing. Variants that disrupt the donor or acceptor splice site typically lead to a loss of protein function (PMID: 16199547), and loss-of-function variants in RBM20 are known to be pathogenic (PMID: 20590677, 22004663, 38288598, 38510713, 40339755). This variant is not present in population databases (gnomAD no frequency). This variant has not been reported in the literature in individuals affected with RBM20-related conditions. Algorithms developed to predict the effect of sequence changes on RNA splicing suggest that this variant may disrupt the consensus splice site. In summary, the currently available evidence indicates that the variant is pathogenic, but additional data are needed to prove that conclusively. Therefore, this variant has been classified as Likely Pathogenic.

Literature cited by the submitters: PubMed 16199547; PubMed 20590677; PubMed 22004663; PubMed 38288598; PubMed 38510713; PubMed 40339755.